The following is an entry in ClinVar:

NM_000388.4(CASR):c.359T>G (p.Ile120Ser)

Gene: CASR (calcium sensing receptor; plus strand). Cytogenetic location: 3q21.1.
Variant type: single nucleotide variant.
Coding change: c.359T>G on transcript NM_000388.4 (MANE Select); coding-DNA position 359, T replaced by G.
Protein change: p.Ile120Ser; replaces isoleucine 120 with serine.
Molecular consequence: missense variant.
Genome position (GRCh38, 1-based): chr3:122,257,254, T>G. VCF-style: chr3-122257254-T-G. GRCh37 (hg19) VCF-style: chr3-121976101-T-G.
Other names: c.359T>G, p.Ile120Ser (NM_001178065.2); short protein forms I120S.
Identifiers: ClinVar variation 4992427 (VCV004992427.1).
Genomic context (GRCh38, chr3:122,257,254, plus strand): 5'-CTTGCAACACCGTTTCTAAGGCCTTGGAAGCCACCCTGAGTTTTGTTGCTCAAAACAAAA[T>G]TGATTCTTTGAACCTTGATGAGTTCTGCAACTGCTCAGAGCACATTCCCTCTACGATTGC-3'
Protein context (NP_000379.3, residues 110-130): ATLSFVAQNK[Ile120Ser]DSLNLDEFCN

ClinVar aggregate classification (germline): Uncertain significance (1 of 4 stars; one submission).

Conditions:
CASR-related disorder. Also called: CASR-related condition.

Submission:

PreventionGenetics, part of Exact Sciences
Classification: Uncertain significance for CASR-related condition. Last evaluated: 2026-09-21. Review status: criteria provided, single submitter. Criteria: ACMG Guidelines, 2015. Collection method: clinical testing. Allele origin: germline.
Comment: The CASR c.359T>G variant is predicted to result in the amino acid substitution p.Ile120Ser. To our knowledge, this variant has not been reported in the literature or in a large population database (gnomAD), indicating this variant is rare. At this time, the clinical significance of this variant is uncertain due to the absence of conclusive functional and genetic evidence.